The following is an entry in ClinVar:

ClinVar aggregate classification (germline): Uncertain significance (1 of 4 stars; one submission).

Conditions:
Familial steroid-resistant nephrotic syndrome with sensorineural deafness. Identifiers: Orphanet 280406, MedGen C3553349, MONDO:0013836, OMIM 614650.

Submission:

3billion
Classification: Uncertain significance for Familial steroid-resistant nephrotic syndrome with sensorineural deafness. Last evaluated: 2023-08-28. Review status: criteria provided, single submitter. Criteria: ACMG Guidelines, 2015. Collection method: clinical testing. Allele origin: germline. Affected: yes.
Comment: The variant is not observed in the gnomAD v2.1.1 dataset. Predicted Consequence/Location: Missense variant In silico tool predictions suggest damaging effect of the variant on gene or gene product [REVEL: 0.93 (>=0.6, sensitivity 0.68 and specificity 0.92); 3Cnet: 0.46 (>=0.6, sensitivity 0.72 and precision 0.9)]. Same nucleotide change resulting in same amino acid change has been previously reported to be associated with COQ6 related disorder (PMID: 32604935). However, the evidence of pathogenicity is insufficient at this time. Therefore, this variant is classified as VUS according to the recommendation of ACMG/AMP guideline.

Literature cited by the submitters: PubMed 32604935.

NM_182476.3(COQ6):c.124G>T (p.Gly42Cys)

Gene: COQ6 (coenzyme Q6, monooxygenase; plus strand). Cytogenetic location: 14q24.3.
Variant type: single nucleotide variant.
Coding change: c.124G>T on transcript NM_182476.3 (MANE Select); coding-DNA position 124, G replaced by T.
Protein change: p.Gly42Cys; replaces glycine 42 with cysteine.
Molecular consequence: missense variant. On other transcripts: synonymous variant (1), 5 prime UTR variant (4), intron variant (4).
Genome position (GRCh38, 1-based): chr14:73,950,456, G>T. VCF-style: chr14-73950456-G-T. GRCh37 (hg19) VCF-style: chr14-74417159-G-T.
Other names: c.124G>T, p.Gly42Cys (NM_001425255.1, NM_001425256.1, NM_001425262.1); c.18G>T, p.Arg6= (NM_001425257.1); c.-145G>T (NM_001425260.1); c.-306G>T (NM_001425263.1); c.-227G>T (NM_001425264.1); c.-286G>T (NM_001425265.1); c.88+276G>T (NM_001425258.1, NM_182480.3); c.-4+276G>T (NM_001425259.1, NM_001425261.1); short protein forms G42C.
Identifiers: ClinVar variation 3775784 (VCV003775784.1).
Genomic context (GRCh38, chr14:73,950,456, plus strand): 5'-GTGTCCTGGCGCAGGTGGTCCGGCGCCTCAACAGACACCGTGTATGACGTGGTGGTGTCG[G>T]GTGGAGGCCTGGTGGGCGCTGCCATGGCCTGTGCCTTGGGTAAGCCCTTCTCCAGGCTAC-3'
Protein context (NP_872282.1, residues 32-52): TDTVYDVVVS[Gly42Cys]GGLVGAAMAC